The following is an entry in ClinVar:

NM_080680.3(COL11A2):c.2762dup (p.Gly922fs)

Gene: COL11A2 (collagen type XI alpha 2 chain; minus strand). Cytogenetic location: 6p21.32.
Variant type: Duplication.
Coding change: c.2762dup on transcript NM_080680.3 (MANE Select); coding-DNA position 2762, one base duplicated (C; older notation c.2762dupC).
Protein change: p.Gly922fs; shifts the reading frame from glycine 922.
Molecular consequence: frameshift variant.
Genome position (GRCh38, 1-based): chr6:33,173,088, G duplicated on the plus strand (C on the coding strand, the reverse complement: COL11A2 is on the minus strand); the first of 6 consecutive G bases (chr6:33,173,088-33,173,093); duplicating any one gives the same sequence. VCF-style (leftmost placement, unchanged base first): chr6-33173087-A-AG. GRCh37 (hg19) VCF-style: chr6-33140864-A-AG.
Other names: c.2582dup, p.Gly862fs (NM_001424108.1); c.1916dup, p.Gly640fs (NM_001424109.1); c.1736dup, p.Gly580fs (NM_001424110.1, NM_001424111.1); c.716dup, p.Gly240fs (NM_001424112.1); c.2441dup, p.Gly815fs (NM_080679.3); c.2504dup, p.Gly836fs (NM_080681.3); short protein forms G640fs, G580fs, G815fs, G836fs, G922fs, G240fs, G862fs.
Identifiers: ClinVar variation 2860189 (VCV002860189.3), dbSNP rs2534916582, ClinGen allele CA2578581688.
Genomic context (GRCh38, chr6:33,173,087, plus strand): 5'-CAGGGGTCCATTCTCTCCTAGGGACAAACCTACCTGAGGTCCCACCACTCCTGGAGGACC[A>AG]GGGGGGCCGGTCTTCCCTTGGAAACCCTAGGCGAGGAAGAGAGGAGAATGCAGTGAAAGC-3'

ClinVar aggregate classification (germline): Pathogenic (1 of 4 stars; one submission).

Submission:

Labcorp Genetics (formerly Invitae), Labcorp
Classification: Pathogenic. Last evaluated: 2023-04-28. Review status: criteria provided, single submitter. Criteria: Invitae Variant Classification Sherloc (09022015). Collection method: clinical testing. Allele origin: germline.
Comment: For these reasons, this variant has been classified as Pathogenic. This variant has not been reported in the literature in individuals affected with COL11A2-related conditions. This variant is not present in population databases (gnomAD no frequency). This sequence change creates a premature translational stop signal (p.Gly922Trpfs*47) in the COL11A2 gene. It is expected to result in an absent or disrupted protein product. Loss-of-function variants in COL11A2 are known to be pathogenic (PMID: 10677296, 21204229).

Literature cited by the submitters: PubMed 10677296; PubMed 21204229.